The following is an entry in ClinVar:

NM_000057.4(BLM):c.2521A>G (p.Ile841Val)

Gene: BLM (BLM RecQ like helicase; plus strand). Cytogenetic location: 15q26.1.
Variant type: single nucleotide variant.
Coding change: c.2521A>G on transcript NM_000057.4 (MANE Select); coding-DNA position 2521, A replaced by G.
Protein change: p.Ile841Val; replaces isoleucine 841 with valine.
Molecular consequence: missense variant.
Genome position (GRCh38, 1-based): chr15:90,769,552, A>G. VCF-style: chr15-90769552-A-G. GRCh37 (hg19) VCF-style: chr15-91312782-A-G.
Other names: c.2521A>G, p.Ile841Val (NM_001287246.2, NM_001287247.2); c.1396A>G, p.Ile466Val (NM_001287248.2); short protein forms I841V, I466V.
Identifiers: ClinVar variation 3261058 (VCV003261058.1).

ClinVar aggregate classification (germline): Uncertain significance (1 of 4 stars; one submission).

Conditions:
Hereditary cancer-predisposing syndrome. Also called: Hereditary Cancer Syndrome; Tumor predisposition; Hereditary neoplastic syndrome; Neoplastic Syndromes, Hereditary. Identifiers: Orphanet 140162, MedGen C0027672, MeSH D009386, MONDO:0015356.

Submission:

Ambry Genetics
Classification: Uncertain significance for Hereditary cancer-predisposing syndrome. Last evaluated: 2024-06-21. Review status: criteria provided, single submitter. Criteria: Ambry Variant Classification Scheme 2023. Collection method: clinical testing. Allele origin: germline.
Comment: The p.I841V variant (also known as c.2521A>G), located in coding exon 11 of the BLM gene, results from an A to G substitution at nucleotide position 2521. The isoleucine at codon 841 is replaced by valine, an amino acid with highly similar properties. This amino acid position is conserved. In addition, this alteration is predicted to be tolerated by in silico analysis. Based on the available evidence, the clinical significance of this variant remains unclear.